The following is an entry in ClinVar:

NM_007244.3(PRR4):c.359A>G (p.Gln120Arg)

Genes: PRH1-PRR4 (PRH1-PRR4 readthrough; minus strand), PRR4 (proline rich 4; minus strand). Cytogenetic location: 12p13.2.
Variant type: single nucleotide variant.
Coding change: c.359A>G on transcript NM_007244.3 (MANE Select); coding-DNA position 359, A replaced by G.
Protein change: p.Gln120Arg; replaces glutamine 120 with arginine.
Molecular consequence: missense variant. On other transcripts: non-coding transcript variant (1).
Genome position (GRCh38, 1-based): chr12:10,847,109, T>C on the plus strand (A>G on the coding strand, the complement: PRR4 is on the minus strand). VCF-style: chr12-10847109-T-C. GRCh37 (hg19) VCF-style: chr12-10999708-T-C.
Other names: c.127A>G, p.Arg43Gly (NM_001098538.3); short protein forms Q120R, R43G.
Identifiers: ClinVar variation 3060347 (VCV003060347.2), dbSNP rs1047699, ClinGen allele CA6448871.

ClinVar aggregate classification (germline): Benign (0 of 4 stars; one submission).

Conditions:
PRR4-related disorder. Also called: PRR4-related condition.

Allele frequency attached by ClinVar (database versions not stated): TOPMed 0.70575; ESP Exome Variant Server 0.71157; gnomAD 0.72508; 1000 Genomes Project 30x 0.72798; 1000 Genomes Project 0.73742; ExAC 0.82212.
gnomAD v4.1: 1,311,979 of 1,609,774 alleles (82%); highest among the groups gnomAD compares: East Asian, 94%; 541,748 homozygotes.

Submission:

PreventionGenetics, part of Exact Sciences
Classification: Benign for PRR4-related condition. Last evaluated: 2019-10-17. Review status: no assertion criteria provided. Collection method: clinical testing. Allele origin: germline.
Comment: This variant is classified as benign based on ACMG/AMP sequence variant interpretation guidelines (Richards et al. 2015 PMID: 25741868, with internal and published modifications).